The following is an entry in ClinVar:

NM_001164665.2(KIAA1549):c.2911A>G (p.Ile971Val)

Gene: KIAA1549 (KIAA1549; minus strand). Cytogenetic location: 7q34.
Variant type: single nucleotide variant.
Coding change: c.2911A>G on transcript NM_001164665.2 (MANE Select); coding-DNA position 2911, A replaced by G.
Protein change: p.Ile971Val; replaces isoleucine 971 with valine.
Molecular consequence: missense variant.
Genome position (GRCh38, 1-based): chr7:138,912,428, T>C on the plus strand (A>G on the coding strand, the complement: KIAA1549 is on the minus strand). VCF-style: chr7-138912428-T-C. GRCh37 (hg19) VCF-style: chr7-138597174-T-C.
Other names: c.2911A>G, p.Ile971Val (NM_020910.3); short protein forms I971V.
Identifiers: ClinVar variation 2093899 (VCV002093899.2), dbSNP rs2485547751, ClinGen allele CA369389904.

ClinVar aggregate classification (germline): Uncertain significance (1 of 4 stars; one submission).

Submission:

Labcorp Genetics (formerly Invitae), Labcorp
Classification: Uncertain significance. Last evaluated: 2022-08-15. Review status: criteria provided, single submitter. Criteria: Invitae Variant Classification Sherloc (09022015). Collection method: clinical testing. Allele origin: germline.
Comment: In summary, the available evidence is currently insufficient to determine the role of this variant in disease. Therefore, it has been classified as a Variant of Uncertain Significance. Algorithms developed to predict the effect of missense changes on protein structure and function (SIFT, PolyPhen-2, Align-GVGD) all suggest that this variant is likely to be tolerated. This variant has not been reported in the literature in individuals affected with KIAA1549-related conditions. This variant is not present in population databases (gnomAD no frequency). This sequence change replaces isoleucine, which is neutral and non-polar, with valine, which is neutral and non-polar, at codon 971 of the KIAA1549 protein (p.Ile971Val).